The following is an entry in ClinVar:

NM_017617.5(NOTCH1):c.5470C>T (p.Arg1824Trp)

Gene: NOTCH1 (notch receptor 1; minus strand). Cytogenetic location: 9q34.3.
Variant type: single nucleotide variant.
Coding change: c.5470C>T on transcript NM_017617.5 (MANE Select); coding-DNA position 5470, C replaced by T.
Protein change: p.Arg1824Trp; replaces arginine 1824 with tryptophan.
Molecular consequence: missense variant.
Genome position (GRCh38, 1-based): chr9:136,502,003, G>A on the plus strand (C>T on the coding strand, the complement: NOTCH1 is on the minus strand). VCF-style: chr9-136502003-G-A. GRCh37 (hg19) VCF-style: chr9-139396455-G-A.
Other names: c.5470C>T (NM_017617.3); short protein forms R1824W.
Identifiers: ClinVar variation 2180082 (VCV002180082.5), dbSNP rs775793303, ClinGen allele CA5340263.

ClinVar aggregate classification (germline): Uncertain significance. Review status: criteria provided, multiple submitters, no conflicts (2 of 4 stars). 2 submissions from 2 submitters: Uncertain significance (2). Last evaluated 2023-12-29.

Conditions:
Adams-Oliver syndrome 5 (AOS5). Identifiers: Orphanet 974, MedGen C4014970, MONDO:0014459, OMIM 616028.
Familial thoracic aortic aneurysm and aortic dissection (TAAD). Also called: Thoracic aortic aneurysms and dissections. Identifiers: Orphanet 91387, MedGen C4707243, MONDO:0019625.

Allele frequency attached by ClinVar (database versions not stated): ExAC 0.00001; gnomAD 0.00001; gnomAD exomes 0.00001; TOPMed 0.00002.
gnomAD v4.1: 22 of 1,612,776 alleles (0.0014%); highest among the groups gnomAD compares: South Asian, 0.0022%; no homozygotes.

Submissions (2):

Ambry Genetics
Classification: Uncertain significance for Familial thoracic aortic aneurysm and aortic dissection. Last evaluated: 2023-12-29. Review status: criteria provided, single submitter. Criteria: Ambry Variant Classification Scheme 2023. Collection method: clinical testing. Allele origin: germline.
Comment: The p.R1824W variant (also known as c.5470C>T), located in coding exon 29 of the NOTCH1 gene, results from a C to T substitution at nucleotide position 5470. The arginine at codon 1824 is replaced by tryptophan, an amino acid with dissimilar properties. This alteration has been reported in a congenital heart defect cohort and a bicuspid aortic valve cohort; however, clinical details were limited in both cases (Alankarage D et al. Genet Med, 2019 May;21:1111-1120; Ma M et al. BMC Cardiovasc Disord, 2021 Aug;21:413). This amino acid position is highly conserved in available vertebrate species. In addition, the in silico prediction for this alteration is inconclusive. Since supporting evidence is limited at this time, the clinical significance of this alteration remains unclear.

Labcorp Genetics (formerly Invitae), Labcorp
Classification: Uncertain significance for Adams-Oliver syndrome 5. Last evaluated: 2022-05-08. Review status: criteria provided, single submitter. Criteria: Invitae Variant Classification Sherloc (09022015). Collection method: clinical testing. Allele origin: germline.
Comment: In summary, the available evidence is currently insufficient to determine the role of this variant in disease. Therefore, it has been classified as a Variant of Uncertain Significance. Algorithms developed to predict the effect of missense changes on protein structure and function (SIFT, PolyPhen-2, Align-GVGD) all suggest that this variant is likely to be disruptive. This variant has not been reported in the literature in individuals affected with NOTCH1-related conditions. This variant is present in population databases (rs775793303, gnomAD 0.005%). This sequence change replaces arginine, which is basic and polar, with tryptophan, which is neutral and slightly polar, at codon 1824 of the NOTCH1 protein (p.Arg1824Trp).

Literature cited by the submitters: PubMed 30293987 (cited by Ambry Genetics); PubMed 34461831 (cited by Ambry Genetics).